The following is an entry in ClinVar:

NM_001018115.3(FANCD2):c.2442T>C (p.Thr814=)

Genes: FANCD2 (FA complementation group D2; plus strand), LOC107303338 (3p25 FANCD2 Alu-mediated recombination region; plus strand). Cytogenetic location: 3p25.3.
Variant type: single nucleotide variant.
Coding change: c.2442T>C on transcript NM_001018115.3 (MANE Select); coding-DNA position 2442, T replaced by C.
Protein change: p.Thr814=; no amino-acid change (threonine 814 retained).
Molecular consequence: synonymous variant.
Genome position (GRCh38, 1-based): chr3:10,067,265, T>C. VCF-style: chr3-10067265-T-C. GRCh37 (hg19) VCF-style: chr3-10108949-T-C.
Other names: c.2442T>C, p.Thr814= (NM_001319984.2, NM_001374254.1, NM_033084.6); c.2331T>C, p.Thr777= (NM_001374253.1).
Identifiers: ClinVar variation 2653513 (VCV002653513.27), dbSNP rs201487858, ClinGen allele CA2250083.
Genomic context (GRCh38, chr3:10,067,265, plus strand): 5'-GCAGATTGTAAATGCCTTCTGCCAGGAAACATCACCTGAGATGAAGGGGAAGGTGCTCAC[T>C]CGGTTAAAGCACATTGTAGAATTGCAAATAATCCTGGAAAAGTACTTGGCAGGTAAGAGA-3'
Protein context (NP_001018125.1, residues 804-824): TSPEMKGKVL[Thr814=]RLKHIVELQI

ClinVar aggregate classification (germline): Likely benign. Review status: criteria provided, multiple submitters, no conflicts (2 of 4 stars). 2 submissions from 2 submitters: Likely benign (2). Last evaluated 2023-11-10.

Conditions:
Fanconi anemia (FA). Also called: Fanconi's anemia. Identifiers: Orphanet 84, MedGen C0015625, MeSH D005199, MONDO:0019391.

Allele frequency attached by ClinVar (database versions not stated): TOPMed below 0.00001; gnomAD 0.00001; gnomAD exomes 0.00001.
gnomAD v4.1: 13 of 1,613,838 alleles (0.00081%); highest among the groups gnomAD compares: Non-Finnish European, 0.0011%; no homozygotes.

Submissions (2):

Labcorp Genetics (formerly Invitae), Labcorp
Classification: Likely benign for Fanconi anemia. Last evaluated: 2023-11-10. Review status: criteria provided, single submitter. Criteria: Invitae Variant Classification Sherloc (09022015). Collection method: clinical testing. Allele origin: germline.

CeGaT Center for Human Genetics Tuebingen
Classification: Likely benign. Last evaluated: 2022-09-01. Review status: criteria provided, single submitter. Criteria: CeGaT Center For Human Genetics Tuebingen Variant Classification Criteria Version 2. Collection method: clinical testing. Allele origin: germline. Affected: yes. Observed: 1 variant allele.
Comment: FANCD2: BP4, BP7